The following is an entry in ClinVar:

ClinVar aggregate classification (germline): Benign (1 of 4 stars; one submission).

Conditions:
Cataract 15 multiple types. Also called: CATARACT 15, LAMELLAR WITH SUTURAL OPACITIES. Identifiers: Orphanet 91492, MedGen C3809001, MONDO:0014110, OMIM 615274.

Allele frequency attached by ClinVar (database versions not stated): 1000 Genomes Project 0.00180; 1000 Genomes Project 30x 0.00187; TOPMed 0.00229; gnomAD 0.00230 and 0.00239.

Submission:

Illumina Laboratory Services, Illumina
Classification: Benign for Cataract 15 multiple types. Last evaluated: 2018-01-13. Review status: criteria provided, single submitter. Criteria: ICSL Variant Classification Criteria 13 December 2019. Collection method: clinical testing. Allele origin: germline.
Comment: This variant was observed in the ICSL laboratory as part of a predisposition screen in an ostensibly healthy population. It had not been previously curated by ICSL or reported in the Human Gene Mutation Database (HGMD: prior to June 1st, 2018), and was therefore a candidate for classification through an automated scoring system. Utilizing variant allele frequency, disease prevalence and penetrance estimates, and inheritance mode, an automated score was calculated to assess if this variant is too frequent to cause the disease. Based on the score and internal cut-off values, a variant classified as benign is not then subjected to further curation. The score for this variant resulted in a classification of benign for this disease.

NM_012064.4(MIP):c.*1104T>A

Gene: MIP (major intrinsic protein of lens fiber; minus strand). Cytogenetic location: 12q13.3.
Variant type: single nucleotide variant.
Coding change: c.*1104T>A on transcript NM_012064.4 (MANE Select); 1104 bases downstream of the stop codon, T replaced by A.
Molecular consequence: 3 prime UTR variant.
Genome position (GRCh38, 1-based): chr12:56,450,176, A>T on the plus strand (T>A on the coding strand, the complement: MIP is on the minus strand). VCF-style: chr12-56450176-A-T. GRCh37 (hg19) VCF-style: chr12-56843960-A-T.
Identifiers: ClinVar variation 880562 (VCV000880562.4), dbSNP rs72478921, ClinGen allele CA237639924.